The following is an entry in ClinVar:

ClinVar aggregate classification (germline): Likely pathogenic. Review status: criteria provided, multiple submitters, no conflicts (2 of 4 stars). 2 submissions from 2 submitters: Likely pathogenic (2). Last evaluated 2026-01-17.

Conditions:
Progressive external ophthalmoplegia with mitochondrial DNA deletions, autosomal dominant 3. Also called: PROGRESSIVE EXTERNAL OPHTHALMOPLEGIA, AUTOSOMAL DOMINANT 3. Identifiers: MedGen C1836439, MONDO:0012241, OMIM 609286.

Submissions (2):

Labcorp Genetics (formerly Invitae), Labcorp
Classification: Likely pathogenic. Last evaluated: 2026-01-17. Review status: criteria provided, single submitter. Criteria: Invitae Variant Classification Sherloc (09022015). Collection method: clinical testing. Allele origin: germline.
Comment: This sequence change replaces phenylalanine, which is neutral and non-polar, with isoleucine, which is neutral and non-polar, at codon 485 of the TWNK protein (p.Phe485Ile). This variant is not present in population databases (gnomAD no frequency). This missense change has been observed in individuals with clinical features of progressive external ophthalmoplegia with mitochondrial DNA deletions (PMID: 35641312; internal data). ClinVar contains an entry for this variant (Variation ID: 2810280). Invitae Evidence Modeling of protein sequence and biophysical properties (such as structural, functional, and spatial information, amino acid conservation, physicochemical variation, residue mobility, and thermodynamic stability) indicates that this missense variant is expected to disrupt TWNK protein function with a positive predictive value of 95%. This variant disrupts the p.Phe485 amino acid residue in TWNK. Other variant(s) that disrupt this residue have been observed in individuals with TWNK-related conditions (PMID: 15258213, 20659899), which suggests that this may be a clinically significant amino acid residue. In summary, the currently available evidence indicates that the variant is pathogenic, but additional data are needed to prove that conclusively. Therefore, this variant has been classified as Likely Pathogenic.

Victorian Clinical Genetics Services, Murdoch Childrens Research Institute
Classification: Likely pathogenic for Progressive external ophthalmoplegia with mitochondrial DNA deletions, autosomal dominant 3. Last evaluated: 2025-10-28. Review status: criteria provided, single submitter. Criteria: ACMG Guidelines, 2015. Collection method: clinical testing. Allele origin: germline. Affected: yes.
Comment: This variant is classified as Likely pathogenic. Evidence in support of pathogenic classification: Variant is absent from gnomAD (v2, v3 and v4); This variant has limited previous evidence of pathogenicity in unrelated individuals. This variant has been classified as a VUS by one clinical laboratory in ClinVar in an individual with autosomal dominant TWNK-related conditions. It has also been reported in the literature in a heterozygous state in individuals with progressive external ophthalmoplegia and regarded as likely pathogenic (PMID: 35641312); Another missense variant comparable to the one identified in this case has limited previous evidence for pathogenicity. Missense variant predicted to be damaging by in silico tool(s) or highly conserved with a major amino acid change. Additional information: Variant is predicted to result in a missense amino acid change from Phe to Ile; This variant is heterozygous; This gene is associated with both recessive and dominant disease. Mitochondrial DNA depletion syndrome 7 (hepatocerebral type) (MIM#271245) and Perrault syndrome 5 (MIM#616138) are inherited in a recessive manner, whereas progressive external ophthalmoplegia with mitochondrial DNA deletions 3 (MIM#609286) is a dominant condition (OMIM); No published evidence of segregation with disease has been identified for this variant; No published functional evidence has been identified for this variant; Variant is located in the annotated helicase domain (PMID: 32234020); Dominant negative and loss of function are known mechanisms of disease in this gene and are associated with progressive external ophthalmoplegia with mitochondrial DNA deletions 3 (MIM#609286), mitochondrial DNA depletion syndrome 7 (hepatocerebral type) (MIM#271245) and Perrault syndrome 5 (MIM#616138) (PMID: 18971204); Inheritance information for this variant is not currently available in this individual.

Literature cited by the submitters: PubMed 35641312 (cited by Labcorp Genetics (formerly Invitae), Labcorp and Victorian Clinical Genetics Services, Murdoch Childrens Research Institute); PubMed 15258213 (cited by Labcorp Genetics (formerly Invitae), Labcorp and Victorian Clinical Genetics Services, Murdoch Childrens Research Institute); PubMed 20659899 (cited by Labcorp Genetics (formerly Invitae), Labcorp); PubMed 18971204 (cited by Victorian Clinical Genetics Services, Murdoch Childrens Research Institute); PubMed 32234020 (cited by Victorian Clinical Genetics Services, Murdoch Childrens Research Institute).

NM_021830.5(TWNK):c.1453T>A (p.Phe485Ile)

Gene: TWNK (twinkle mtDNA helicase; plus strand). Cytogenetic location: 10q24.31.
Variant type: single nucleotide variant.
Coding change: c.1453T>A on transcript NM_021830.5 (MANE Select); coding-DNA position 1453, T replaced by A.
Protein change: p.Phe485Ile; replaces phenylalanine 485 with isoleucine.
Molecular consequence: missense variant. On other transcripts: non-coding transcript variant (5).
Genome position (GRCh38, 1-based): chr10:100,989,853, T>A. VCF-style: chr10-100989853-T-A. GRCh37 (hg19) VCF-style: chr10-102749610-T-A.
Other names: c.1453T>A, p.Phe485Ile (NM_001163812.2); c.91T>A, p.Phe31Ile (NM_001163813.2, NM_001163814.2, NM_001368275.1); short protein forms F485I, F31I.
Identifiers: ClinVar variation 2810280 (VCV002810280.4), dbSNP rs2493637173, ClinGen allele CA378210938.